The following is an entry in ClinVar:

NM_000528.4(MAN2B1):c.3013C>T (p.Gln1005Ter)

Gene: MAN2B1 (mannosidase alpha class 2B member 1; minus strand). Cytogenetic location: 19p13.13.
Variant type: single nucleotide variant.
Coding change: c.3013C>T on transcript NM_000528.4 (MANE Select); coding-DNA position 3013, C replaced by T.
Protein change: p.Gln1005Ter; replaces glutamine 1005 with a stop codon.
Molecular consequence: nonsense.
Genome position (GRCh38, 1-based): chr19:12,646,643, G>A on the plus strand (C>T on the coding strand, the complement: MAN2B1 is on the minus strand). VCF-style: chr19-12646643-G-A. GRCh37 (hg19) VCF-style: chr19-12757457-G-A.
Other names: c.3010C>T, p.Gln1004Ter (NM_001173498.2); short protein forms Q1004*, Q1005*.
Identifiers: ClinVar variation 2838271 (VCV002838271.3), dbSNP rs1456738066, ClinGen allele CA404236740.

ClinVar aggregate classification (germline): Uncertain significance (1 of 4 stars; one submission).

Conditions:
Deficiency of alpha-mannosidase (MANSA). Also called: Alpha-Mannosidosis; LYSOSOMAL ALPHA-D-MANNOSIDASE DEFICIENCY; Mannosidosis, alpha-, types I and II. Identifiers: Orphanet 61, MedGen C0024748, MONDO:0009561, OMIM 248500.

Allele frequency attached by ClinVar (database versions not stated): gnomAD exomes below 0.00001; TOPMed below 0.00001.
gnomAD v4.1: 1 of 1,613,692 alleles (0.000062%); highest among the groups gnomAD compares: Admixed American, 0.0017%; no homozygotes.

Submission:

Labcorp Genetics (formerly Invitae), Labcorp
Classification: Uncertain significance for Deficiency of alpha-mannosidase. Last evaluated: 2025-03-31. Review status: criteria provided, single submitter. Criteria: Invitae Variant Classification Sherloc (09022015). Collection method: clinical testing. Allele origin: germline.
Comment: This sequence change creates a premature translational stop signal (p.Gln1005*) in the MAN2B1 gene. While this is not anticipated to result in nonsense mediated decay, it is expected to disrupt the last 7 amino acid(s) of the MAN2B1 protein. This variant is present in population databases (no rsID available, gnomAD 0.003%). This variant has not been reported in the literature in individuals affected with MAN2B1-related conditions. ClinVar contains an entry for this variant (Variation ID: 2838271). Experimental studies and prediction algorithms are not available or were not evaluated, and the functional significance of this variant is currently unknown. Algorithms developed to predict the effect of sequence changes on RNA splicing suggest that this variant may disrupt the consensus splice site. In summary, the available evidence is currently insufficient to determine the role of this variant in disease. Therefore, it has been classified as a Variant of Uncertain Significance.